The following is an entry in ClinVar:

ClinVar aggregate classification (germline): Benign. Review status: reviewed by expert panel (3 of 4 stars). 5 submissions from 5 submitters: Benign (1). 4 of the submissions do not count toward it. Last evaluated 2026-08-18.

Conditions:
Metaphyseal chondrodysplasia, McKusick type (CHH). Also called: Cartilage-Hair Hypoplasia (CHH); Cartilage-hair hypoplasia. Identifiers: Orphanet 175, MedGen C0220748, MONDO:0009595, OMIM 250250.
RMRP-related disorder. Also called: RMRP-related condition.
Anauxetic dysplasia. Identifiers: Orphanet 93347, MedGen C1846796, MONDO:0011773.

Allele frequency attached by ClinVar (database versions not stated): TOPMed 0.00205; gnomAD exomes 0.00081; ExAC 0.00108; 1000 Genomes Project 30x 0.00328; gnomAD 0.00185; 1000 Genomes Project 0.00319.

Submissions (5):

ClinGen Severe Combined Immunodeficiency Variant Curation Expert Panel, ClinGen
Classification: Benign for Metaphyseal chondrodysplasia, McKusick type. Last evaluated: 2026-08-18. Review status: reviewed by expert panel. Criteria: ClinGen SCID ACMG Specifications RMRP V1.3. Collection method: curation. Allele origin: germline. Inheritance: Autosomal recessive inheritance.
Comment: The NC_000009.12:g.35658021G>A variant is also known as RMRP n.-3C>T, in RMRP gene. The Grpmax filtering allele frequency of this variant in gnomAD v4.1.1 (African/African American population) is 0.005976, which is higher than the ClinGen SCID VCEP threshold (>0.00400) for BA1, and therefore meets this criterion (BA1). This variant has also been observed in 4 homozygotes in gnomAD (BS2). Therefore, this variant is classified as benign for autosomal recessive cartilage-hair hypoplasia based on the ACMG/AMP criteria applied, as specified by the ClinGen SCID VCEP: BA1. (VCEP specifications version 1.3.0) [Evidences: BA1, BS2]

Labcorp Genetics (formerly Invitae), Labcorp
Classification: Likely benign for Anauxetic dysplasia. Last evaluated: 2026-01-31. Review status: criteria provided, single submitter. Criteria: Invitae Variant Classification Sherloc (09022015). Collection method: clinical testing. Allele origin: germline. Not counted in ClinVar's aggregate classification.

Women's Health and Genetics/Laboratory Corporation of America, LabCorp
Classification: Likely benign. Last evaluated: 2022-07-13. Review status: criteria provided, single submitter. Criteria: LabCorp Variant Classification Summary - May 2015. Collection method: clinical testing. Allele origin: germline. Not counted in ClinVar's aggregate classification.
Comment: Variant summary: RMRP n.-3C>T is located in the untranscribed region upstream of the RMRP gene region. The variant allele was found at a frequency of 0.001 in 158954 control chromosomes in the gnomAD database, including 1 homozygotes. This frequency is not higher than expected for a pathogenic variant in RMRP causing Cartilage-Hair Hypoplasia (0.001 vs 0.0072), allowing no conclusion about variant significance. To our knowledge, no occurrence of n.-3C>T in individuals affected with Cartilage-Hair Hypoplasia and no experimental evidence demonstrating its impact on protein function have been reported. Two clinical diagnostic laboratories have submitted clinical-significance assessments for this variant to ClinVar after 2014 and classified the variant as benign/likely benign. Based on the evidence outlined above, the variant was classified as likely benign.

PreventionGenetics, part of Exact Sciences
Classification: Likely benign for RMRP-related condition. Last evaluated: 2020-07-14. Review status: no assertion criteria provided. Collection method: clinical testing. Allele origin: germline. Not counted in ClinVar's aggregate classification.
Comment: This variant is classified as likely benign based on ACMG/AMP sequence variant interpretation guidelines (Richards et al. 2015 PMID: 25741868, with internal and published modifications).

Natera, Inc.
Classification: Benign for Cartilage-hair hypoplasia. Last evaluated: 2019-10-21. Review status: no assertion criteria provided. Collection method: clinical testing. Allele origin: germline. Not counted in ClinVar's aggregate classification.

NC_000009.12:g.35658021G>A

Gene: RMRP (RNA component of mitochondrial RNA processing endoribonuclease; minus strand). Cytogenetic location: 9p13.3.
Variant type: single nucleotide variant.
Genome position: GRCh38 VCF-style: chr9-35658021-G-A. GRCh37 (hg19) VCF-style: chr9-35658018-G-A.
Identifiers: ClinVar variation 697786 (VCV000697786.15), dbSNP rs138660393, ClinGen allele CA5045877.
Genomic context (GRCh38, chr9:35,658,021, plus strand): 5'-AAGGGGAGGAACAGAGTCCTCAGTGTGTAGCCTAGGATACAGGCCTTCAGCACGAACCAC[G>A]TCCTCAGCTTCACAGAGTAGTATTTTATAGCCCTAAAGAAATTGTGTTTTATGATTAGGG-3'